The following is an entry in ClinVar:

ClinVar aggregate classification (germline): Pathogenic. Review status: reviewed by expert panel (3 of 4 stars). 11 submissions from 11 submitters: Pathogenic (1). 10 of the submissions do not count toward it. Last evaluated 2024-06-11.

Conditions:
Hereditary cancer-predisposing syndrome. Also called: Neoplastic Syndromes, Hereditary; Tumor predisposition; Hereditary neoplastic syndrome; Hereditary Cancer Syndrome. Identifiers: Orphanet 140162, MedGen C0027672, MeSH D009386, MONDO:0015356.
Hereditary breast ovarian cancer syndrome. Also called: BRCA1- and BRCA2-Associated Hereditary Breast and Ovarian Cancer; Hereditary breast and/or ovarian cancer syndrome; Hereditary breast and ovarian cancer syndrome; Hereditary breast and ovarian cancer syndrome (HBOC); Hereditary breast and ovarian cancer; Breast and ovarian cancer. Identifiers: Orphanet 145, MedGen C0677776, MeSH D061325, MONDO:0003582. Disease mechanism: loss of function.
Breast-ovarian cancer, familial, susceptibility to, 2 (BROVCA2). Also called: BRCA2 Hereditary Breast and Ovarian Cancer. Identifiers: Orphanet 145, MedGen C2675520, MONDO:0012933, OMIM 612555. Disease mechanism: loss of function.
Inherited breast cancer and ovarian cancer.
BRCA2-related cancer predisposition. Identifiers: MedGen CN377758, MONDO:0700269.

Allele frequency attached by ClinVar (database versions not stated): gnomAD exomes below 0.00001; ExAC 0.00001.
gnomAD v4.1: 6 of 1,614,162 alleles (0.00037%); highest among the groups gnomAD compares: Non-Finnish European, 0.00051%; no homozygotes.

Submissions 1 to 6 of 11:

ClinGen ENIGMA BRCA1 and BRCA2 Variant Curation Expert Panel, ClinGen
Classification: Pathogenic for BRCA2-related cancer predisposition. Last evaluated: 2024-06-11. Review status: reviewed by expert panel. Criteria: CSpec BRCA1/2ACMG Rules Specifications V1.0. Collection method: curation. Allele origin: germline. Inheritance: Autosomal dominant inheritance.
Comment: The c.8168A>C variant in BRCA2 is a missense variant predicted to cause substitution of Aspartic acid by Alanine at amino acid 2723 (p.Asp2723Ala). This variant is present in gnomAD v2.1 (exomes only, non-cancer subset) or gnomAD v3.1 (non-cancer subset) but is below the ENIGMA BRCA1/2 VCEP threshold >0.00002 for BS1_Supporting (PM2_Supporting, BS1, and BA1 are not met). This BRCA2 missense variant is within a key functional domain and the computational predictor BayesDel (noAF) gives a score of 0.576, above the recommended threshold of 0.30 for prediction of impact on BRCA2 function via protein change. SpliceAI predictor score of 0.00 suggests that the variant has no impact on splicing (score threshold <0.10) (PP3 met). Reported by two calibrated studies to exhibit protein function similar to pathogenic control variants (PMIDs: 33609447, 33293522) (PS3 met). Multifactorial likelihood ratio analysis using clinically calibrated data produced a combined LR for this variant of 0.557 (based on Pathology LR=0.214; Co-occurrence LR=1.102; Family History LR=2.36), which is above the ENIGMA BRCA1/2 VCEP threshold for BP5 (>0.48) and below PP4 (<2.08) (BP5 and PP4 not met; 31853058, Internal lab contributors). Cosegregation analysis of family(ies) carrying this variant provided evidence towards pathogenicity, and has a Bayes Score of 74321.3, above the thresholds for Very strong pathogenic evidence (LR >350) (PP1_Very strong; Internal lab contributors). In summary, this variant meets the criteria to be classified as a Pathogenic variant variant for BRCA2-related cancer predisposition based on the ACMG/AMP criteria applied as specified by the ENIGMA BRCA1/2 VCEP (PP3, PS3, PP1_Very strong).

Genomics and Molecular Medicine Service, East Genomic Laboratory Hub, NHS Genomic Medicine Service
Classification: Pathogenic for Inherited breast cancer and ovarian cancer. Last evaluated: 2026-09-24. Review status: criteria provided, single submitter. Criteria: ACGS Best Practice Guidelines for Variant Classification in Rare Disease 2020. Collection method: clinical testing. Allele origin: germline. Affected: yes. Not counted in ClinVar's aggregate classification.
Comment: PS4_Very Strong,PM1,PM2_Supporting,PP3

Women's Health and Genetics/Laboratory Corporation of America, LabCorp
Classification: Pathogenic for Hereditary breast ovarian cancer syndrome. Last evaluated: 2026-04-07. Review status: criteria provided, single submitter. Criteria: LabCorp Variant Classification Summary - May 2015. Collection method: clinical testing. Allele origin: germline. Not counted in ClinVar's aggregate classification.
Comment: Variant summary: BRCA2 c.8168A>C (p.Asp2723Ala) results in a non-conservative amino acid change in the encoded protein sequence. Algorithms developed to predict the effect of missense changes on protein structure and function all suggest that this variant is likely to be disruptive. The variant allele was found at a frequency of 4e-06 in 251098 control chromosomes. c.8168A>C has been observed in multiple heterozygous individual(s) affected with clinical features of Hereditary Breast And Ovarian Cancer Syndrome (example, Franco_2024, Scott_2003) including at least 1 family where it segregated with disease. These data indicate that the variant may be associated with disease. At least 2 publications report experimental evidence evaluating an impact on protein function. The most pronounced variant effect results in <10% of normal activity in HDR assays (example, Hu_2022, Guidigli_2013). Multiple variants located at the same codon (c.8167G>C, p.Asp2723His; c.8167G>A, p.Asp2723Asn) have been classified as Pathogenic/Likely Pathogenic, supporting a critical relevance of this residue to BRCA2 protein function. The following publications have been ascertained in the context of this evaluation (PMID: 38843470, 23108138, 35736817, 12601471). ClinVar contains an entry for this variant (Variation ID: 52516). Based on the evidence outlined above, the variant was classified as pathogenic.

Labcorp Genetics (formerly Invitae), Labcorp
Classification: Likely pathogenic for Hereditary breast ovarian cancer syndrome. Last evaluated: 2025-09-28. Review status: criteria provided, single submitter. Criteria: Invitae Variant Classification Sherloc (09022015). Collection method: clinical testing. Allele origin: germline. Not counted in ClinVar's aggregate classification.
Comment: This sequence change replaces aspartic acid, which is acidic and polar, with alanine, which is neutral and non-polar, at codon 2723 of the BRCA2 protein (p.Asp2723Ala). This variant is present in population databases (rs41293513, gnomAD 0.0009%). This missense change has been observed in individual(s) with breast cancer and/or ovarian cancer (PMID: 12601471, 28888541). ClinVar contains an entry for this variant (Variation ID: 52516). Invitae Evidence Modeling incorporating data from in vitro experimental studies (PMID: 33609447) indicates that this missense variant is expected to disrupt BRCA2 function with a positive predictive value of 95%. Experimental studies have shown that this missense change affects BRCA2 function (PMID: 18451181, 24323938, 29394989, 29884841). This variant disrupts the p.Asp2723 amino acid residue in BRCA2. Other variant(s) that disrupt this residue have been determined to be pathogenic (PMID: 15290653, 15695382, 16489001, 17924331, 18607349, 21990134). This suggests that this residue is clinically significant, and that variants that disrupt this residue are likely to be disease-causing. In summary, the currently available evidence indicates that the variant is pathogenic, but additional data are needed to prove that conclusively. Therefore, this variant has been classified as Likely Pathogenic.

Ambry Genetics
Classification: Pathogenic for Hereditary cancer-predisposing syndrome. Last evaluated: 2024-04-23. Review status: criteria provided, single submitter. Criteria: Ambry Variant Classification Scheme 2023. Collection method: clinical testing. Allele origin: germline. Not counted in ClinVar's aggregate classification.
Comment: The p.D2723A pathogenic mutation (also known as c.8168A>C), located in coding exon 17 of the BRCA2 gene, results from an A to C substitution at nucleotide position 8168. The aspartic acid at codon 2723 is replaced by alanine, an amino acid with dissimilar properties. This alteration is non-functional in multiple protein functional assays including homology-directed DNA repair (HDR) assay (Guidugli L et al, Cancer Res. 2013 Jan; 73(1):265-75; Farrugia DJ et al., Cancer Res. 2008 May; 68(9):3523-31; Guidugli L et al. Am. J. Hum. Genet., 2018 Jan.). This variant occurs in a structural hotspot region of the protein and is predicted to destabilize the protein and disrupt the native protein-protein (BRCA2-DSS1) interaction (Ambry internal data; Yang et al. Science. 2002; 297(5588):1837-48). This amino acid position is highly conserved in available vertebrate species. In addition, this alteration is predicted to be deleterious by in silico analysis. Based on the majority of available evidence to date, this alteration is interpreted as a disease-causing mutation.

Laboratory for Molecular Medicine, Mass General Brigham Personalized Medicine
Classification: Likely pathogenic for Hereditary breast ovarian cancer syndrome. Last evaluated: 2019-10-14. Review status: criteria provided, single submitter. Criteria: ACMG Guidelines, 2015. Collection method: clinical testing. Allele origin: germline. Not counted in ClinVar's aggregate classification.
Comment: The p.Asp2723Ala variant in BRCA2 has been reported in at least 4 individuals with breast caner (Scott 2003, Gorringe 2008, BIC database). It has also been identified in 1/113396 European chromosomes by gnomAD; however, this frequency is low enough to be consistent with the frequency of hereditary breast and ovarian cancer (HBOC) in the general population. This variant has also been reported in Clinvar (Variation ID: 52516). Computational prediction tools and conservation analyseis suggest that this variant may impact the protein, though this information is not predictive enough to determine pathogenicity. In vitro assays provide some evidence that this variant impact protein function (Guidugli 2018); however, these types of assays may not accurately represent biological function. Another variant involving this codon (p.Asp2723His) has been identified in individuals with breast cancer and has been classified as Pathogenic by the ClinGen-approved ENIGMA expert panel. In summary, although additional studies are required to fully establish its clinical significance, this variant meets criteria to be classified as likely pathogenic for autosomal dominant hereditary breast and ovarian cancer syndrome (HBOC). ACMG/AMP Criteria applied: PM2, PS3_Moderate, PM5, PP3, PS4_Supporting.

NM_000059.4(BRCA2):c.8168A>C (p.Asp2723Ala)

Gene: BRCA2 (BRCA2 DNA repair associated; plus strand). Cytogenetic location: 13q13.1.
Variant type: single nucleotide variant.
Coding change: c.8168A>C on transcript NM_000059.4 (MANE Select); coding-DNA position 8168, A replaced by C.
Protein change: p.Asp2723Ala; replaces aspartic acid 2723 with alanine.
Molecular consequence: missense variant.
Genome position (GRCh38, 1-based): chr13:32,363,370, A>C. VCF-style: chr13-32363370-A-C. GRCh37 (hg19) VCF-style: chr13-32937507-A-C.
Other names: p.D2723A:GAT>GCT; NM_000059.4(BRCA2):c.8168A>C; p.Asp2723Ala; short protein forms D2723A.
Identifiers: ClinVar variation 52516 (VCV000052516.22), dbSNP rs41293513, ClinGen allele CA025483.